The following is an entry in ClinVar:

NM_001267550.2(TTN):c.47796T>C (p.Tyr15932=)

Genes: TTN-AS1 (TTN antisense RNA 1; plus strand), TTN (titin; minus strand). Cytogenetic location: 2q31.2.
Variant type: single nucleotide variant.
Coding change: c.47796T>C on transcript NM_001267550.2 (MANE Select); coding-DNA position 47796, T replaced by C.
Protein change: p.Tyr15932=; no amino-acid change (tyrosine 15932 retained).
Molecular consequence: synonymous variant.
Genome position (GRCh38, 1-based): chr2:178,617,199, A>G on the plus strand (T>C on the coding strand, the complement: TTN is on the minus strand). VCF-style: chr2-178617199-A-G. GRCh37 (hg19) VCF-style: chr2-179481926-A-G.
Other names: c.42873T>C, p.Tyr14291= (NM_001256850.1); c.20601T>C, p.Tyr6867= (NM_003319.4); c.40092T>C, p.Tyr13364= (NM_133378.4); c.20976T>C, p.Tyr6992= (NM_133432.3); c.21177T>C, p.Tyr7059= (NM_133437.4).
Identifiers: ClinVar variation 4820475 (VCV004820475.1).

ClinVar aggregate classification (germline): Likely benign (1 of 4 stars; one submission).

Submission:

Molecular Diagnostic Laboratory for Inherited Cardiovascular Disease, Montreal Heart Institute
Classification: Likely benign. Last evaluated: 2026-03-27. Review status: criteria provided, single submitter. Criteria: ACMG Guidelines, 2015. Collection method: clinical testing. Allele origin: germline. Affected: no.
Comment: BP7